The following is an entry in ClinVar:

NM_000540.3(RYR1):c.45+4C>A

Gene: RYR1 (ryanodine receptor 1; plus strand). Cytogenetic location: 19q13.2.
Variant type: single nucleotide variant.
Coding change: c.45+4C>A on transcript NM_000540.3 (MANE Select); 4 bases into the intron after coding-DNA position 45, C replaced by A.
Molecular consequence: intron variant.
Genome position (GRCh38, 1-based): chr19:38,433,878, C>A. VCF-style: chr19-38433878-C-A. GRCh37 (hg19) VCF-style: chr19-38924518-C-A.
Other names: c.45+4C>A (NM_001042723.2).
Identifiers: ClinVar variation 3387616 (VCV003387616.1).

ClinVar aggregate classification (germline): Uncertain significance (1 of 4 stars; one submission).

Conditions:
Malignant hyperthermia, susceptibility to, 1 (MHS1). Also called: Anesthesia related hyperthermia; Malignant hyperpyrexia; Fulminating hyperpyrexia; Pharmacogenic myopathy; RYR1-Related Malignant Hyperthermia Susceptibility; Malignant hyperthermia suceptibility 1. Identifiers: Orphanet 423, MedGen C2930980, MONDO:0007783, OMIM 145600.

Submission:

All of Us Research Program, National Institutes of Health
Classification: Uncertain significance for Malignant hyperthermia, susceptibility to, 1. Last evaluated: 2024-06-09. Review status: criteria provided, single submitter. Criteria: ACMG Guidelines, 2015. Collection method: clinical testing. Allele origin: germline. Inheritance: Autosomal dominant inheritance. Observed: 1 variant allele, 1 heterozygote.
Comment: This variant causes a C to A nucleotide substitution at the +4 position of intron 1 of the RYR1 gene. To our knowledge, functional studies have not been reported for this variant. This variant has not been reported in individuals affected with RYR1-related disorders in the literature. This variant has not been identified in the general population by the Genome Aggregation Database (gnomAD). The available evidence is insufficient to determine the role of this variant in disease conclusively. Therefore, this variant is classified as a Variant of Uncertain Significance.

This study involves interpretation of variants in research participants for the purpose of population health screening. Participant phenotype was not available at the time of variant classification. Additional details can be found in publication PMID: 35346344, PMCID: PMC8962531